The following is an entry in ClinVar:

ClinVar aggregate classification (germline): Likely benign. Review status: criteria provided, multiple submitters, no conflicts (2 of 4 stars). 2 submissions from 2 submitters: Likely benign (2). Last evaluated 2024-07-01.

Allele frequency attached by ClinVar (database versions not stated): TOPMed 0.00002; gnomAD 0.00003; gnomAD exomes 0.00003.
gnomAD v4.1: 59 of 1,586,372 alleles (0.0037%); highest among the groups gnomAD compares: Non-Finnish European, 0.0045%; no homozygotes.

Submissions (2):

CeGaT Center for Human Genetics Tuebingen
Classification: Likely benign. Last evaluated: 2024-07-01. Review status: criteria provided, single submitter. Criteria: CeGaT Center For Human Genetics Tuebingen Variant Classification Criteria Version 2. Collection method: clinical testing. Allele origin: germline. Affected: yes. Observed: 1 variant allele.
Comment: HNRNPK: BP4

Labcorp Genetics (formerly Invitae), Labcorp
Classification: Likely benign. Last evaluated: 2023-10-03. Review status: criteria provided, single submitter. Criteria: Invitae Variant Classification Sherloc (09022015). Collection method: clinical testing. Allele origin: germline.

NM_031263.4(HNRNPK):c.645+7C>A

Genes: HNRNPK (heterogeneous nuclear ribonucleoprotein K; minus strand), HNRNPK-AS1 (HNRNPK antisense RNA 1; plus strand). Cytogenetic location: 9q21.32.
Variant type: single nucleotide variant.
Coding change: c.645+7C>A on transcript NM_031263.4 (MANE Select); 7 bases into the intron after coding-DNA position 645, C replaced by A.
Molecular consequence: intron variant.
Genome position (GRCh38, 1-based): chr9:83,972,837, G>T on the plus strand (C>A on the coding strand, the complement: HNRNPK is on the minus strand). VCF-style: chr9-83972837-G-T. GRCh37 (hg19) VCF-style: chr9-86587752-G-T.
Other names: c.645+7C>A (NM_031262.4, NM_002140.5, NM_001318188.2); c.573+7C>A (NM_001318186.2, NM_001318187.2).
Identifiers: ClinVar variation 2180586 (VCV002180586.21), dbSNP rs747163849, ClinGen allele CA195466479.